The following is an entry in ClinVar:

NM_005751.5(AKAP9):c.4838T>G (p.Met1613Arg)

Gene: AKAP9 (A-kinase anchoring protein 9; plus strand). Cytogenetic location: 7q21.2.
Variant type: single nucleotide variant.
Coding change: c.4838T>G on transcript NM_005751.5 (MANE Select); coding-DNA position 4838, T replaced by G.
Protein change: p.Met1613Arg; replaces methionine 1613 with arginine.
Molecular consequence: missense variant.
Genome position (GRCh38, 1-based): chr7:92,040,819, T>G. VCF-style: chr7-92040819-T-G. GRCh37 (hg19) VCF-style: chr7-91670133-T-G.
Other names: c.4838T>G, p.Met1613Arg (NM_147185.3); short protein forms M1613R.
Identifiers: ClinVar variation 4264897 (VCV004264897.1).

ClinVar aggregate classification (germline): Uncertain significance (1 of 4 stars; one submission).

Conditions:
Cardiovascular phenotype. Identifiers: MedGen CN230736.

Submission:

Ambry Genetics
Classification: Uncertain significance for Cardiovascular phenotype. Last evaluated: 2025-06-15. Review status: criteria provided, single submitter. Criteria: Ambry Variant Classification Scheme 2023. Collection method: clinical testing. Allele origin: germline.
Comment: The p.M1613R variant (also known as c.4838T>G), located in coding exon 18 of the AKAP9 gene, results from a T to G substitution at nucleotide position 4838. The methionine at codon 1613 is replaced by arginine, an amino acid with similar properties. This amino acid position is conserved. In addition, this alteration is predicted to be tolerated by in silico analysis. Based on the available evidence, the clinical significance of this variant remains unclear.